The following is an entry in ClinVar:

ClinVar aggregate classification (germline): Conflicting classifications of pathogenicity. Review status: criteria provided, conflicting classifications (1 of 4 stars). 2 submissions from 2 submitters: Uncertain significance (1); Likely benign (1). Last evaluated 2022-06-26.

Conditions:
Combined immunodeficiency and megaloblastic anemia with or without hyperhomocysteinemia. Also called: METHYLENETETRAHYDROFOLATE DEHYDROGENASE 1 DEFICIENCY; COMBINED IMMUNODEFICIENCY AND MEGALOBLASTIC ANEMIA. Identifiers: Orphanet 658813, MedGen C4540434, MONDO:0060611, OMIM 617780.

Allele frequency attached by ClinVar (database versions not stated): gnomAD exomes below 0.00001; TOPMed 0.00002.
gnomAD v4.1: 5 of 1,610,816 alleles (0.00031%); highest among the groups gnomAD compares: African/African-American, 0.0067%; no homozygotes.

Submissions (2):

Labcorp Genetics (formerly Invitae), Labcorp
Classification: Likely benign. Last evaluated: 2022-06-26. Review status: criteria provided, single submitter. Criteria: Invitae Variant Classification Sherloc (09022015). Collection method: clinical testing. Allele origin: germline.

Neuberg Centre For Genomic Medicine, NCGM
Classification: Uncertain significance for Combined immunodeficiency and megaloblastic anemia with or without hyperhomocysteinemia. Review status: criteria provided, single submitter. Criteria: ACMG Guidelines, 2015. Collection method: clinical testing. Allele origin: germline. Inheritance: Autosomal recessive inheritance. Affected: yes.
Comment: The intron variant c.240+9T>C in MTHFD1 gene has not been reported previously as a pathogenic variant nor as a benign variant, to our knowledge. This variant is reported with the allele frequency 0.0003% in the gnomAD Exomes and novel not in any individuals in 1000 Genomes. This splice region variant in intron 4 affects the position nine nucleotides downstream of exon 4. For these reasons, this variant has been classified as Uncertain Significance.

NM_005956.4(MTHFD1):c.240+9T>C

Gene: MTHFD1 (methylenetetrahydrofolate dehydrogenase, cyclohydrolase and formyltetrahydrofolate synthetase 1; plus strand). Cytogenetic location: 14q23.3.
Variant type: single nucleotide variant.
Coding change: c.240+9T>C on transcript NM_005956.4 (MANE Select); 9 bases into the intron after coding-DNA position 240, T replaced by C.
Molecular consequence: intron variant.
Genome position (GRCh38, 1-based): chr14:64,412,534, T>C. VCF-style: chr14-64412534-T-C. GRCh37 (hg19) VCF-style: chr14-64879252-T-C.
Other names: c.240+9T>C (NM_001364837.1).
Identifiers: ClinVar variation 1956488 (VCV001956488.6), dbSNP rs1031056604, ClinGen allele CA261826930.